The following is an entry in ClinVar:

ClinVar aggregate classification (germline): Uncertain significance (1 of 4 stars; one submission).

Allele frequency attached by ClinVar (database versions not stated): TOPMed below 0.00001.

Submission:

Labcorp Genetics (formerly Invitae), Labcorp
Classification: Uncertain significance. Last evaluated: 2024-10-15. Review status: criteria provided, single submitter. Criteria: Invitae Variant Classification Sherloc (09022015). Collection method: clinical testing. Allele origin: germline.
Comment: This sequence change replaces isoleucine, which is neutral and non-polar, with leucine, which is neutral and non-polar, at codon 1838 of the KMT2B protein (p.Ile1838Leu). This variant is not present in population databases (gnomAD no frequency). This variant has not been reported in the literature in individuals affected with KMT2B-related conditions. ClinVar contains an entry for this variant (Variation ID: 2090691). Invitae Evidence Modeling of protein sequence and biophysical properties (such as structural, functional, and spatial information, amino acid conservation, physicochemical variation, residue mobility, and thermodynamic stability) indicates that this missense variant is not expected to disrupt KMT2B protein function with a negative predictive value of 95%. In summary, the available evidence is currently insufficient to determine the role of this variant in disease. Therefore, it has been classified as a Variant of Uncertain Significance.

NM_014727.3(KMT2B):c.5512A>C (p.Ile1838Leu)

Gene: KMT2B (lysine methyltransferase 2B; plus strand). Cytogenetic location: 19q13.12.
Variant type: single nucleotide variant.
Coding change: c.5512A>C on transcript NM_014727.3 (MANE Select); coding-DNA position 5512, A replaced by C.
Protein change: p.Ile1838Leu; replaces isoleucine 1838 with leucine.
Molecular consequence: missense variant.
Genome position (GRCh38, 1-based): chr19:35,731,982, A>C. VCF-style: chr19-35731982-A-C. GRCh37 (hg19) VCF-style: chr19-36222883-A-C.
Other names: short protein forms I1838L.
Identifiers: ClinVar variation 2090691 (VCV002090691.4), dbSNP rs778069411, ClinGen allele CA405422162.
Genomic context (GRCh38, chr19:35,731,982, plus strand): 5'-GAGGACCCCCCACTGGACACAGATGTTCTTGTCCCTGGAGCTCCTGAGCGCCACTCGCCC[A>C]TTCAGAACCTGGACCCTCCACTGCGGCCAGATTCAGGCAGCGCCCCTCCTCCAGCCCCCC-3'
Protein context (NP_055542.1, residues 1828-1848): VPGAPERHSP[Ile1838Leu]QNLDPPLRPD